The following is an entry in ClinVar:

ClinVar aggregate classification (germline): Uncertain significance (1 of 4 stars; one submission).

Conditions:
PKD1-related disorder. Also called: PKD1-related condition.

Submission:

PreventionGenetics, part of Exact Sciences
Classification: Uncertain significance for PKD1-related condition. Last evaluated: 2025-02-15. Review status: criteria provided, single submitter. Criteria: ACMG Guidelines, 2015. Collection method: clinical testing. Allele origin: germline.
Comment: The PKD1 c.2485C>A variant is predicted to result in the amino acid substitution p.Pro829Thr. To our knowledge, this variant has not been reported in the literature or in a large population database (gnomAD), indicating this variant is rare. The p.Pro829 residue is highly conserved. Of note, a different substitution at the same codon, defined as c.2485C>T (p.Pro829Ser), was reported in an individual with autosomal dominant polycystic kidney disease (ADPKD) (Supplemental tables, Cornec-Le Gall et al. 2016. PubMed ID: 26150605). Although we suspect that the c.2485C>A (p.Pro829Thr) variant may be pathogenic, at this time, the clinical significance of this variant is uncertain due to the absence of conclusive functional and genetic evidence.

NM_001009944.3(PKD1):c.2485C>A (p.Pro829Thr)

Gene: PKD1 (polycystin 1, transient receptor potential channel interacting; minus strand). Cytogenetic location: 16p13.3.
Variant type: single nucleotide variant.
Coding change: c.2485C>A on transcript NM_001009944.3 (MANE Select); coding-DNA position 2485, C replaced by A.
Protein change: p.Pro829Thr; replaces proline 829 with threonine.
Molecular consequence: missense variant.
Genome position (GRCh38, 1-based): chr16:2,114,538, G>T on the plus strand (C>A on the coding strand, the complement: PKD1 is on the minus strand). VCF-style: chr16-2114538-G-T. GRCh37 (hg19) VCF-style: chr16-2164539-G-T.
Other names: c.2485C>A, p.Pro829Thr (NM_000296.4); short protein forms P829T.
Identifiers: ClinVar variation 5000722 (VCV005000722.1).